The following is an entry in ClinVar:

ClinVar aggregate classification (germline): Uncertain significance (1 of 4 stars; one submission).

Allele frequency attached by ClinVar (database versions not stated): gnomAD exomes 0.00003; ExAC 0.00008; 1000 Genomes Project 30x 0.00031; gnomAD 0.00035; TOPMed 0.00035; ESP Exome Variant Server 0.00038; 1000 Genomes Project 0.00040.
gnomAD v4.1: 97 of 1,574,054 alleles (0.0062%); highest among the groups gnomAD compares: African/African-American, 0.11%; no homozygotes.

Submission:

Labcorp Genetics (formerly Invitae), Labcorp
Classification: Uncertain significance. Last evaluated: 2024-10-28. Review status: criteria provided, single submitter. Criteria: Invitae Variant Classification Sherloc (09022015). Collection method: clinical testing. Allele origin: germline.
Comment: This sequence change replaces proline, which is neutral and non-polar, with serine, which is neutral and polar, at codon 1027 of the ADCY10 protein (p.Pro1027Ser). This variant is present in population databases (rs147752796, gnomAD 0.09%), and has an allele count higher than expected for a pathogenic variant. This variant has not been reported in the literature in individuals affected with ADCY10-related conditions. An algorithm developed to predict the effect of missense changes on protein structure and function outputs the following: PolyPhen-2: "Benign". The serine amino acid residue is found in multiple mammalian species, which suggests that this missense change does not adversely affect protein function. In summary, the available evidence is currently insufficient to determine the role of this variant in disease. Therefore, it has been classified as a Variant of Uncertain Significance.

NM_018417.6(ADCY10):c.3079C>T (p.Pro1027Ser)

Gene: ADCY10 (adenylate cyclase 10; minus strand). Cytogenetic location: 1q24.2.
Variant type: single nucleotide variant.
Coding change: c.3079C>T on transcript NM_018417.6 (MANE Select); coding-DNA position 3079, C replaced by T.
Protein change: p.Pro1027Ser; replaces proline 1027 with serine.
Molecular consequence: missense variant.
Genome position (GRCh38, 1-based): chr1:167,836,539, G>A on the plus strand (C>T on the coding strand, the complement: ADCY10 is on the minus strand). VCF-style: chr1-167836539-G-A. GRCh37 (hg19) VCF-style: chr1-167805777-G-A.
Other names: c.2620C>T, p.Pro874Ser (NM_001167749.3); c.2803C>T, p.Pro935Ser (NM_001297772.2); short protein forms P935S, P874S, P1027S.
Identifiers: ClinVar variation 2718482 (VCV002718482.3), dbSNP rs147752796, ClinGen allele CA1227444.